The following is an entry in ClinVar:

ClinVar aggregate classification (germline): Conflicting classifications of pathogenicity. Review status: criteria provided, conflicting classifications (1 of 4 stars). 2 submissions from 2 submitters: Pathogenic (1); Uncertain significance (1). Last evaluated 2023-08-02.

Submissions (2):

Labcorp Genetics (formerly Invitae), Labcorp
Classification: Pathogenic. Last evaluated: 2023-08-02. Review status: criteria provided, single submitter. Criteria: Invitae Variant Classification Sherloc (09022015). Collection method: clinical testing. Allele origin: germline.
Comment: This sequence change falls in intron 13 of the ABCA4 gene. It does not directly change the encoded amino acid sequence of the ABCA4 protein. RNA analysis indicates that this variant induces altered splicing and likely results in the loss of 44 amino acid residue(s), but is expected to preserve the integrity of the reading-frame. For these reasons, this variant has been classified as Pathogenic. This variant is not present in population databases (gnomAD no frequency). This variant has been observed in individual(s) with cone-rod dystrophy and/or Stargardt Disease (PMID: 26780318, 31397521). ClinVar contains an entry for this variant (Variation ID: 865837). Variants that disrupt the consensus splice site are a relatively common cause of aberrant splicing (PMID: 17576681, 9536098). Studies have shown that this variant results in the activation of a cryptic splice site in exon 13 (PMID: 31397521). This variant disrupts a region of the ABCA4 protein in which other variant(s) (p.Asp645Asn) have been determined to be pathogenic (PMID: 9973280, 28559085, 29975949, 30029497). This suggests that this is a clinically significant region of the protein, and that variants that disrupt it are likely to be disease-causing.

Blueprint Genetics
Classification: Uncertain significance. Last evaluated: 2018-12-27. Review status: criteria provided, single submitter. Criteria: ACMG Guidelines, 2015. Collection method: clinical testing. Allele origin: germline.

Literature cited by the submitters: PubMed 26780318 (cited by Labcorp Genetics (formerly Invitae), Labcorp); PubMed 31397521 (cited by Labcorp Genetics (formerly Invitae), Labcorp); PubMed 17576681 (cited by Labcorp Genetics (formerly Invitae), Labcorp); PubMed 9536098 (cited by Labcorp Genetics (formerly Invitae), Labcorp); PubMed 9973280 (cited by Labcorp Genetics (formerly Invitae), Labcorp); PubMed 28559085 (cited by Labcorp Genetics (formerly Invitae), Labcorp); PubMed 29975949 (cited by Labcorp Genetics (formerly Invitae), Labcorp); PubMed 30029497 (cited by Labcorp Genetics (formerly Invitae), Labcorp).

NM_000350.3(ABCA4):c.1937+5G>A

Gene: ABCA4 (ATP binding cassette subfamily A member 4; minus strand). Cytogenetic location: 1p22.1.
Variant type: single nucleotide variant.
Coding change: c.1937+5G>A on transcript NM_000350.3 (MANE Select); 5 bases into the intron after coding-DNA position 1937, G replaced by A.
Molecular consequence: intron variant.
Genome position (GRCh38, 1-based): chr1:94,062,572, C>T on the plus strand (G>A on the coding strand, the complement: ABCA4 is on the minus strand). VCF-style: chr1-94062572-C-T. GRCh37 (hg19) VCF-style: chr1-94528128-C-T.
Identifiers: ClinVar variation 865837 (VCV000865837.5), dbSNP rs536864160, ClinGen allele CA916082068.
Genomic context (GRCh38, chr1:94,062,572, plus strand): 5'-ACCCCAGCCCACTCCAGCACCCCCATTAGCGTGTCATGGAGGAGGATCGCGAACTTCAGA[C>T]TCACGAATCGTCCACGAAGCAGGGGTAGGGCATCTGCTGGAGGTAGATTCCAACTGGAGC-3'